The following is an entry in ClinVar:

ClinVar aggregate classification (germline): Uncertain significance (1 of 4 stars; one submission).

Conditions:
Cranioectodermal dysplasia 1 (CED1). Also called: LEVIN SYNDROME I. Identifiers: Orphanet 1515, MedGen C0432235, MONDO:0021093, OMIM 218330.

Submission:

Labcorp Genetics (formerly Invitae), Labcorp
Classification: Uncertain significance for Cranioectodermal dysplasia 1. Last evaluated: 2025-06-25. Review status: criteria provided, single submitter. Criteria: Invitae Variant Classification Sherloc (09022015). Collection method: clinical testing. Allele origin: germline.
Comment: This sequence change replaces cysteine, which is neutral and slightly polar, with serine, which is neutral and polar, at codon 507 of the IFT122 protein (p.Cys507Ser). This variant is not present in population databases (gnomAD no frequency). This variant has not been reported in the literature in individuals affected with IFT122-related conditions. Invitae Evidence Modeling of protein sequence and biophysical properties (such as structural, functional, and spatial information, amino acid conservation, physicochemical variation, residue mobility, and thermodynamic stability) indicates that this missense variant is not expected to disrupt IFT122 protein function with a negative predictive value of 80%. In summary, the available evidence is currently insufficient to determine the role of this variant in disease. Therefore, it has been classified as a Variant of Uncertain Significance.

NM_052989.3(IFT122):c.1366T>A (p.Cys456Ser)

Gene: IFT122 (intraflagellar transport 122; plus strand). Cytogenetic location: 3q21.3.
Variant type: single nucleotide variant.
Coding change: c.1366T>A on transcript NM_052989.3 (MANE Select); coding-DNA position 1366, T replaced by A.
Protein change: p.Cys456Ser; replaces cysteine 456 with serine.
Molecular consequence: missense variant.
Genome position (GRCh38, 1-based): chr3:129,479,800, T>A. VCF-style: chr3-129479800-T-A. GRCh37 (hg19) VCF-style: chr3-129198643-T-A.
Other names: c.1033T>A, p.Cys345Ser (NM_052990.3, NM_001410815.1, NM_001410817.1 and 1 more transcripts); c.1342T>A, p.Cys448Ser (NM_001280541.2); c.916T>A, p.Cys306Ser (NM_001280545.2); c.739T>A, p.Cys247Ser (NM_001280546.2); c.1366T>A, p.Cys456Ser (NM_001410808.1, NM_001410809.1); c.1189T>A, p.Cys397Ser (NM_001410810.1, NM_001410811.1, NM_001410813.1 and 1 more transcripts); c.1210T>A, p.Cys404Ser (NM_001438637.1, NM_001438638.1, NM_001438639.1 and 1 more transcripts); c.1519T>A, p.Cys507Ser (NM_052985.4); short protein forms C448S, C507S, C404S, C456S, C247S, C345S, C397S, C306S.
Identifiers: ClinVar variation 4744862 (VCV004744862.1).